The following is an entry in ClinVar:

NM_152296.5(ATP1A3):c.672C>T (p.Asp224=)

Gene: ATP1A3 (ATPase Na+/K+ transporting subunit alpha 3; minus strand). Cytogenetic location: 19q13.2.
Variant type: single nucleotide variant.
Coding change: c.672C>T on transcript NM_152296.5 (MANE Select); coding-DNA position 672, C replaced by T.
Protein change: p.Asp224=; no amino-acid change (aspartic acid 224 retained).
Molecular consequence: synonymous variant.
Genome position (GRCh38, 1-based): chr19:41,985,358, G>A on the plus strand (C>T on the coding strand, the complement: ATP1A3 is on the minus strand). VCF-style: chr19-41985358-G-A. GRCh37 (hg19) VCF-style: chr19-42489510-G-A.
Other names: c.705C>T, p.Asp235= (NM_001256213.2); c.711C>T, p.Asp237= (NM_001256214.2).
Identifiers: ClinVar variation 743706 (VCV000743706.13), dbSNP rs954153137, ClinGen allele CA308597452.

ClinVar aggregate classification (germline): Likely benign. Review status: criteria provided, multiple submitters, no conflicts (2 of 4 stars). 3 submissions from 3 submitters: Likely benign (3). Last evaluated 2026-01-01.

Conditions:
Dystonia 12 (DYT12). Also called: DYT-ATP1A3; Rapid-Onset Dystonia-Parkinsonism (RDP). Identifiers: Orphanet 71517, MedGen C1868681, MONDO:0007496, OMIM 128235.

Allele frequency attached by ClinVar (database versions not stated): gnomAD 0.00001; TOPMed 0.00002; gnomAD exomes 0.00004.
gnomAD v4.1: 61 of 1,614,054 alleles (0.0038%); highest among the groups gnomAD compares: Non-Finnish European, 0.005%; no homozygotes.

Submissions (3):

CeGaT Center for Human Genetics Tuebingen
Classification: Likely benign. Last evaluated: 2026-01-01. Review status: criteria provided, single submitter. Criteria: CeGaT Center For Human Genetics Tuebingen Variant Classification Criteria Version 2. Collection method: clinical testing. Allele origin: germline. Affected: yes. Observed: 1 variant allele.
Comment: ATP1A3: BP4, BS2

Labcorp Genetics (formerly Invitae), Labcorp
Classification: Likely benign for Dystonia 12. Last evaluated: 2024-07-24. Review status: criteria provided, single submitter. Criteria: Invitae Variant Classification Sherloc (09022015). Collection method: clinical testing. Allele origin: germline.

Blueprint Genetics
Classification: Likely benign. Last evaluated: 2020-02-07. Review status: criteria provided, single submitter. Criteria: ACMG Guidelines, 2015. Collection method: clinical testing. Allele origin: germline.